The following is an entry in ClinVar:

NM_030773.4(TUBB1):c.1090G>A (p.Ala364Thr)

Gene: TUBB1 (tubulin beta 1 class VI; plus strand). Cytogenetic location: 20q13.32.
Variant type: single nucleotide variant.
Coding change: c.1090G>A on transcript NM_030773.4 (MANE Select); coding-DNA position 1090, G replaced by A.
Protein change: p.Ala364Thr; replaces alanine 364 with threonine.
Molecular consequence: missense variant.
Genome position (GRCh38, 1-based): chr20:59,024,517, G>A. VCF-style: chr20-59024517-G-A. GRCh37 (hg19) VCF-style: chr20-57599572-G-A.
Other names: short protein forms A364T.
Identifiers: ClinVar variation 2879523 (VCV002879523.3), dbSNP rs1025493211, ClinGen allele CA316329846.

ClinVar aggregate classification (germline): Uncertain significance (1 of 4 stars; one submission).

Allele frequency attached by ClinVar (database versions not stated): gnomAD exomes below 0.00001; gnomAD 0.00001.
gnomAD v4.1: 7 of 1,614,070 alleles (0.00043%); highest among the groups gnomAD compares: African/African-American, 0.0013%; no homozygotes.

Submission:

Labcorp Genetics (formerly Invitae), Labcorp
Classification: Uncertain significance. Last evaluated: 2023-04-07. Review status: criteria provided, single submitter. Criteria: Invitae Variant Classification Sherloc (09022015). Collection method: clinical testing. Allele origin: germline.
Comment: This variant is present in population databases (no rsID available, gnomAD 0.002%). In summary, the available evidence is currently insufficient to determine the role of this variant in disease. Therefore, it has been classified as a Variant of Uncertain Significance. Advanced modeling of protein sequence and biophysical properties (such as structural, functional, and spatial information, amino acid conservation, physicochemical variation, residue mobility, and thermodynamic stability) performed at Invitae indicates that this missense variant is not expected to disrupt TUBB1 protein function. This variant has not been reported in the literature in individuals affected with TUBB1-related conditions. This sequence change replaces alanine, which is neutral and non-polar, with threonine, which is neutral and polar, at codon 364 of the TUBB1 protein (p.Ala364Thr).